The following is an entry in ClinVar:

ClinVar aggregate classification (germline): Pathogenic (1 of 4 stars; one submission).

Allele frequency attached by ClinVar (database versions not stated): gnomAD exomes below 0.00001; ExAC 0.00001; ESP Exome Variant Server 0.00008.
gnomAD v4.1: 1 of 1,614,230 alleles (0.000062%); highest among the groups gnomAD compares: Non-Finnish European, 0.000085%; no homozygotes.

Submission:

Labcorp Genetics (formerly Invitae), Labcorp
Classification: Pathogenic. Last evaluated: 2025-03-07. Review status: criteria provided, single submitter. Criteria: Invitae Variant Classification Sherloc (09022015). Collection method: clinical testing. Allele origin: germline.
Comment: This sequence change creates a premature translational stop signal (p.Gln158*) in the DISP1 gene. It is expected to result in an absent or disrupted protein product. Loss-of-function variants in DISP1 are known to be pathogenic (PMID: 38529886). This variant is present in population databases (rs374752363, gnomAD 0.0009%). This variant has not been reported in the literature in individuals affected with DISP1-related conditions. ClinVar contains an entry for this variant (Variation ID: 2114849). For these reasons, this variant has been classified as Pathogenic.

Literature cited by the submitters: PubMed 38529886.

NM_001377229.1(DISP1):c.472C>T (p.Gln158Ter)

Gene: DISP1 (dispatched RND transporter family member 1; plus strand). Cytogenetic location: 1q41.
Variant type: single nucleotide variant.
Coding change: c.472C>T on transcript NM_001377229.1 (MANE Select); coding-DNA position 472, C replaced by T.
Protein change: p.Gln158Ter; replaces glutamine 158 with a stop codon.
Molecular consequence: nonsense. On other transcripts: 5 prime UTR variant (1).
Genome position (GRCh38, 1-based): chr1:222,943,295, C>T. VCF-style: chr1-222943295-C-T. GRCh37 (hg19) VCF-style: chr1-223116637-C-T.
Other names: c.-416C>T (NM_001350630.2); c.472C>T, p.Gln158Ter (NM_001369594.1, NM_001377228.1, NM_032890.5); short protein forms Q158*.
Identifiers: ClinVar variation 2114849 (VCV002114849.4), dbSNP rs374752363, ClinGen allele CA1408801.